The following is an entry in ClinVar:

ClinVar aggregate classification (germline): Uncertain significance (1 of 4 stars; one submission).

Conditions:
Primary dilated cardiomyopathy (DCM). Also called: Dilated Cardiomyopathy. Identifiers: Orphanet 217604, MedGen C0007193, MeSH D002311, MONDO:0005021, HP:0001644. Inheritance: Various modes of inheritance.

gnomAD v4.1: 2 of 1,457,964 alleles (0.00014%); highest among the groups gnomAD compares: Non-Finnish European, 0.00019%; no homozygotes.

Submission:

Labcorp Genetics (formerly Invitae), Labcorp
Classification: Uncertain significance for Primary dilated cardiomyopathy. Last evaluated: 2023-01-24. Review status: criteria provided, single submitter. Criteria: Invitae Variant Classification Sherloc (09022015). Collection method: clinical testing. Allele origin: germline.
Comment: In summary, the available evidence is currently insufficient to determine the role of this variant in disease. Therefore, it has been classified as a Variant of Uncertain Significance. Algorithms developed to predict the effect of missense changes on protein structure and function are either unavailable or do not agree on the potential impact of this missense change (SIFT: "Deleterious"; PolyPhen-2: "Probably Damaging"; Align-GVGD: "Class C0"). ClinVar contains an entry for this variant (Variation ID: 849263). This variant has not been reported in the literature in individuals affected with NEBL-related conditions. This variant is not present in population databases (gnomAD no frequency). This sequence change replaces tyrosine, which is neutral and polar, with phenylalanine, which is neutral and non-polar, at codon 231 of the NEBL protein (p.Tyr231Phe).

NM_006393.3(NEBL):c.692A>T (p.Tyr231Phe)

Gene: NEBL (nebulette; minus strand). Cytogenetic location: 10p12.31.
Variant type: single nucleotide variant.
Coding change: c.692A>T on transcript NM_006393.3 (MANE Select); coding-DNA position 692, A replaced by T.
Protein change: p.Tyr231Phe; replaces tyrosine 231 with phenylalanine.
Molecular consequence: missense variant. On other transcripts: intron variant (9).
Genome position (GRCh38, 1-based): chr10:20,859,819, T>A on the plus strand (A>T on the coding strand, the complement: NEBL is on the minus strand). VCF-style: chr10-20859819-T-A. GRCh37 (hg19) VCF-style: chr10-21148748-T-A.
Other names: c.250-46879A>T (NM_001377326.1, NM_001377327.1, NM_001377328.1); c.358-46879A>T (NM_213569.2, NM_001173484.2, NM_001377322.1); c.301-46879A>T (NM_001377324.1); c.292-46879A>T (NM_001377325.1); c.310-46879A>T (NM_001377323.1); short protein forms Y231F.
Identifiers: ClinVar variation 849263 (VCV000849263.12), dbSNP rs920640841, ClinGen allele CA376102525.